The following is an entry in ClinVar:

ClinVar aggregate classification (germline): Uncertain significance (1 of 4 stars; one submission).

Allele frequency attached by ClinVar (database versions not stated): ExAC 0.00001.
gnomAD v4.1: 2 of 1,612,872 alleles (0.00012%); highest among the groups gnomAD compares: East Asian, 0.0045%; no homozygotes.

Submission:

Labcorp Genetics (formerly Invitae), Labcorp
Classification: Uncertain significance. Last evaluated: 2023-03-10. Review status: criteria provided, single submitter. Criteria: Invitae Variant Classification Sherloc (09022015). Collection method: clinical testing. Allele origin: germline.
Comment: This sequence change falls in intron 12 of the IMPDH1 gene. It does not directly change the encoded amino acid sequence of the IMPDH1 protein. This variant is present in population databases (rs753944343, gnomAD 0.01%). This variant has not been reported in the literature in individuals affected with IMPDH1-related conditions. Algorithms developed to predict the effect of sequence changes on RNA splicing suggest that this variant may disrupt the consensus splice site. In summary, the available evidence is currently insufficient to determine the role of this variant in disease. Therefore, it has been classified as a Variant of Uncertain Significance.

NM_000883.4(IMPDH1):c.1262-10C>T

Gene: IMPDH1 (inosine monophosphate dehydrogenase 1; minus strand). Cytogenetic location: 7q32.1.
Variant type: single nucleotide variant.
Coding change: c.1262-10C>T on transcript NM_000883.4 (MANE Select); 10 bases into the intron before coding-DNA position 1262, C replaced by T.
Molecular consequence: intron variant.
Genome position (GRCh38, 1-based): chr7:128,395,284, G>A on the plus strand (C>T on the coding strand, the complement: IMPDH1 is on the minus strand). VCF-style: chr7-128395284-G-A. GRCh37 (hg19) VCF-style: chr7-128035338-G-A.
Other names: c.1055-10C>T (NM_001304521.2); c.1154-10C>T (NM_183243.3); c.1232-10C>T (NM_001102605.2); c.1163-10C>T (NM_001142576.2); c.932-10C>T (NM_001142575.2); c.992-10C>T (NM_001142574.2); c.1007-10C>T (NM_001142573.2).
Identifiers: ClinVar variation 2844819 (VCV002844819.3), dbSNP rs753944343, ClinGen allele CA4470879.
Genomic context (GRCh38, chr7:128,395,284, plus strand): 5'-ACTCAGCCACCTTGTACACAGCAGTGCCCTGGGGCCGACCACAGGCCATCACTGGGGGAG[G>A]GTGGGGTGCACAAGGCAGAGAAGAGTCAACAGCAACTCCGGGGCCTGGAGCGGGGCCAGC-3'